The following is an entry in ClinVar:

NM_001358530.2(MOCS1):c.1510C>T (p.Arg504Trp)

Gene: MOCS1 (molybdenum cofactor synthesis 1; minus strand). Cytogenetic location: 6p21.2.
Variant type: single nucleotide variant.
Coding change: c.1510C>T on transcript NM_001358530.2 (MANE Select); coding-DNA position 1510, C replaced by T.
Protein change: p.Arg504Trp; replaces arginine 504 with tryptophan.
Molecular consequence: missense variant. On other transcripts: 3 prime UTR variant (4), non-coding transcript variant (1).
Genome position (GRCh38, 1-based): chr6:39,906,758, G>A on the plus strand (C>T on the coding strand, the complement: MOCS1 is on the minus strand). VCF-style: chr6-39906758-G-A. GRCh37 (hg19) VCF-style: chr6-39874534-G-A.
Other names: c.*367C>T (NM_001075098.4, NM_001358533.2, NM_001358534.2 and 1 more transcripts); c.1462C>T, p.Arg488Trp (NM_001358529.2); c.1249C>T, p.Arg417Trp (NM_001358531.2); short protein forms R417W, R504W, R488W.
Identifiers: ClinVar variation 2053285 (VCV002053285.3), dbSNP rs1387934803, ClinGen allele CA3795935.
Genomic context (GRCh38, chr6:39,906,758, plus strand): 5'-GCTGGACAAGCTTGAAGGCTACCGGTCCCAGGAGGACCACGGCTGAAGCCACAGCCACCC[G>A]CTCTGTGTCTGGCTTCCTGCCCACATCTACCATAGCTGCCCGTCCTTCCGAGTCCACATG-3'
Protein context (NP_001345459.1, residues 494-514): VDVGRKPDTE[Arg504Trp]VAVASAVVLL

ClinVar aggregate classification (germline): Uncertain significance (1 of 4 stars; one submission).

Conditions:
Sulfite oxidase deficiency due to molybdenum cofactor deficiency type A. Also called: Molybdenum cofactor deficiency, complementation group A; Molybdenum Cofactor Deficiency A. Identifiers: Orphanet 308386, Orphanet 833, MedGen C1854988, MONDO:0009643, OMIM 252150.

Allele frequency attached by ClinVar (database versions not stated): ExAC 0.00001; gnomAD exomes 0.00001; gnomAD 0.00003.
gnomAD v4.1: 16 of 1,614,092 alleles (0.00099%); highest among the groups gnomAD compares: East Asian, 0.016%; no homozygotes.

Submission:

Labcorp Genetics (formerly Invitae), Labcorp
Classification: Uncertain significance for Sulfite oxidase deficiency due to molybdenum cofactor deficiency type A. Last evaluated: 2025-01-15. Review status: criteria provided, single submitter. Criteria: Invitae Variant Classification Sherloc (09022015). Collection method: clinical testing. Allele origin: germline.
Comment: This sequence change replaces arginine, which is basic and polar, with tryptophan, which is neutral and slightly polar, at codon 504 of the MOCS1 protein (p.Arg504Trp). This variant is present in population databases (no rsID available, gnomAD 0.005%). This missense change has been observed in individual(s) with molybdenum cofactor deficiency (PMID: 33552910). ClinVar contains an entry for this variant (Variation ID: 2053285). An algorithm developed to predict the effect of missense changes on protein structure and function (PolyPhen-2) suggests that this variant is likely to be disruptive. In summary, the available evidence is currently insufficient to determine the role of this variant in disease. Therefore, it has been classified as a Variant of Uncertain Significance.

Literature cited by the submitters: PubMed 33552910.